The following is an entry in ClinVar:

ClinVar aggregate classification (germline): Uncertain significance. Review status: criteria provided, multiple submitters, no conflicts (2 of 4 stars). 10 submissions from 10 submitters: Uncertain significance (9). 1 of the submissions does not count toward it. Last evaluated 2026-01-20.

Conditions:
Hereditary cancer-predisposing syndrome. Also called: Neoplastic Syndromes, Hereditary; Hereditary Cancer Syndrome; Tumor predisposition; Hereditary neoplastic syndrome. Identifiers: Orphanet 140162, MedGen C0027672, MeSH D009386, MONDO:0015356.
Ovarian cancer. Also called: OVARIAN CANCER, SOMATIC. Identifiers: Orphanet 213500, MedGen C1140680, MONDO:0008170, OMIM 167000.
Familial cancer of breast. Also called: Hereditary breast cancer; hereditary breast carcinoma; BREAST CANCER, FAMILIAL. Identifiers: Orphanet 227535, MedGen C0346153, MONDO:0016419, OMIM 114480. Disease mechanism: loss of function.

Allele frequency attached by ClinVar (database versions not stated): ExAC 0.00001; gnomAD exomes 0.00001; TOPMed 0.00003; gnomAD 0.00004 and 0.00005; 1000 Genomes Project 30x 0.00016.
gnomAD v4.1: 16 of 1,607,466 alleles (0.001%); highest among the groups gnomAD compares: Middle Eastern, 0.033%; no homozygotes.

Submissions (10):

Labcorp Genetics (formerly Invitae), Labcorp
Classification: Uncertain significance for Familial cancer of breast. Last evaluated: 2026-01-20. Review status: criteria provided, single submitter. Criteria: Invitae Variant Classification Sherloc (09022015). Collection method: clinical testing. Allele origin: germline.
Comment: This sequence change replaces methionine, which is neutral and non-polar, with valine, which is neutral and non-polar, at codon 26 of the BARD1 protein (p.Met26Val). The frequency data for this variant in the population databases is considered unreliable, as metrics indicate poor data quality at this position in the gnomAD database. This variant has not been reported in the literature in individuals affected with BARD1-related conditions. ClinVar contains an entry for this variant (Variation ID: 141201). An algorithm developed to predict the effect of missense changes on protein structure and function (PolyPhen-2) suggests that this variant is likely to be tolerated. In summary, the available evidence is currently insufficient to determine the role of this variant in disease. Therefore, it has been classified as a Variant of Uncertain Significance.

Ambry Genetics
Classification: Uncertain significance for Hereditary cancer-predisposing syndrome. Last evaluated: 2025-08-11. Review status: criteria provided, single submitter. Criteria: Ambry Variant Classification Scheme 2023. Collection method: clinical testing. Allele origin: germline.
Comment: The p.M26V variant (also known as c.76A>G), located in coding exon 1 of the BARD1 gene, results from an A to G substitution at nucleotide position 76. The methionine at codon 26 is replaced by valine, an amino acid with highly similar properties. This variant was identified in a cohort of 3,579 African males diagnosed with prostate cancer who underwent multi-gene panel testing of 19 DNA repair and cancer predisposition genes (Matejcic M et al. JCO Precis Oncol, 2020 Jan;4:32-43). This amino acid position is highly conserved in available vertebrate species. In addition, the in silico prediction for this alteration is inconclusive. Since supporting evidence is limited at this time, the clinical significance of this alteration remains unclear.

Center for Genomic Medicine, Rigshospitalet, Copenhagen University Hospital
Classification: Uncertain significance. Last evaluated: 2025-03-04. Review status: criteria provided, single submitter. Criteria: ACMG Guidelines, 2015. Collection method: clinical testing. Allele origin: germline.

Quest Diagnostics Nichols Institute San Juan Capistrano
Classification: Uncertain significance. Last evaluated: 2024-07-01. Review status: criteria provided, single submitter. Criteria: Quest Diagnostics criteria. Collection method: clinical testing. Allele origin: unknown.
Comment: The BARD1 c.76A>G (p.Met26Val) variant has been reported in the published literature in an individual with ovarian cancer (PMID: 38509102 (2024)). This variant has also been identified in cohort of African American individuals with prostate cancer and reportedly healthy individuals (PMID: 32832836 (2020)). The frequency of this variant in the general population, 0.0000086 (2/232836 chromosomes (Genome Aggregation Database)), is uninformative in the assessment of its pathogenicity. Analysis of this variant using bioinformatics tools for the prediction of the effect of amino acid changes on protein structure and function yielded conflicting predictions that this variant is benign or damaging. Based on the available information, we are unable to determine the clinical significance of this variant.

Baylor Genetics
Classification: Uncertain significance for Familial cancer of breast. Last evaluated: 2024-02-09. Review status: criteria provided, single submitter. Criteria: ACMG Guidelines, 2015. Collection method: clinical testing. Allele origin: unknown.

Color Diagnostics, LLC DBA Color Health
Classification: Uncertain significance for Hereditary cancer-predisposing syndrome. Last evaluated: 2023-06-30. Review status: criteria provided, single submitter. Criteria: ACMG Guidelines, 2015. Collection method: clinical testing. Allele origin: germline.
Comment: This missense variant replaces methionine with valine at codon 26 of the BARD1 protein. Computational prediction suggests that this variant may not impact protein structure and function (internally defined REVEL score threshold <= 0.5, PMID: 27666373). To our knowledge, functional studies have not been reported for this variant. This variant has been reported in an individual affected with high-risk breast cancer (DOI: 10.1200/JCO.2022.40.16_suppl.e22525). This variant has been identified in 2/232836 chromosomes in the general population by the Genome Aggregation Database (gnomAD). The available evidence is insufficient to determine the role of this variant in disease conclusively. Therefore, this variant is classified as a Variant of Uncertain Significance.

Department of Pathology and Laboratory Medicine, Sinai Health System
Classification: Uncertain significance for Familial cancer of breast. Last evaluated: 2023-01-25. Review status: criteria provided, single submitter. Criteria: ACMG Guidelines, 2015. Collection method: research. Allele origin: germline.

Women's Health and Genetics/Laboratory Corporation of America, LabCorp
Classification: Uncertain significance. Last evaluated: 2022-05-27. Review status: criteria provided, single submitter. Criteria: LabCorp Variant Classification Summary - May 2015. Collection method: clinical testing. Allele origin: germline.

Blueprint Genetics
Classification: Uncertain significance. Last evaluated: 2021-03-20. Review status: criteria provided, single submitter. Criteria: ACMG Guidelines, 2015. Collection method: clinical testing. Allele origin: germline.

Laboratory of Molecular Epidemiology of Birth Defects, West China Second University Hospital, Sichuan University
Classification: Likely pathogenic for Ovarian cancer. Last evaluated: 2022-01-01. Review status: flagged submission. Criteria: ACMG Guidelines, 2015. Collection method: clinical testing. Allele origin: germline. Affected: yes. Not counted in ClinVar's aggregate classification.
ClinVar note: Reason: Outlier claim with insufficient supporting evidence

Literature cited by the submitters: PubMed 32832836 (cited by Ambry Genetics and Quest Diagnostics Nichols Institute San Juan Capistrano); PubMed 38509102 (cited by Quest Diagnostics Nichols Institute San Juan Capistrano).

NM_000465.4(BARD1):c.76A>G (p.Met26Val)

Gene: BARD1 (BRCA1 associated RING domain 1; minus strand). Cytogenetic location: 2q35.
Variant type: single nucleotide variant.
Coding change: c.76A>G on transcript NM_000465.4 (MANE Select); coding-DNA position 76, A replaced by G.
Protein change: p.Met26Val; replaces methionine 26 with valine.
Molecular consequence: missense variant. On other transcripts: non-coding transcript variant (3).
Genome position (GRCh38, 1-based): chr2:214,809,494, T>C on the plus strand (A>G on the coding strand, the complement: BARD1 is on the minus strand). VCF-style: chr2-214809494-T-C. GRCh37 (hg19) VCF-style: chr2-215674218-T-C.
Other names: c.76A>G, p.Met26Val (NM_001282543.2, NM_001282545.2, NM_001282548.2 and 1 more transcripts); short protein forms M26V.
Identifiers: ClinVar variation 141201 (VCV000141201.32), dbSNP rs587781570, ClinGen allele CA164756.